The following is an entry in ClinVar:

NM_001103.4(ACTN2):c.2147C>T (p.Thr716Met)

Gene: ACTN2 (actinin alpha 2; plus strand). Cytogenetic location: 1q43.
Variant type: single nucleotide variant.
Coding change: c.2147C>T on transcript NM_001103.4 (MANE Select); coding-DNA position 2147, C replaced by T.
Protein change: p.Thr716Met; replaces threonine 716 with methionine.
Molecular consequence: missense variant.
Genome position (GRCh38, 1-based): chr1:236,755,191, C>T. VCF-style: chr1-236755191-C-T. GRCh37 (hg19) VCF-style: chr1-236918491-C-T.
Other names: p.T716M:ACG>ATG; c.2147C>T, p.Thr716Met (NM_001278343.2); c.1523C>T, p.Thr508Met (NM_001278344.2); short protein forms T716M, T508M.
Identifiers: ClinVar variation 35650 (VCV000035650.74), dbSNP rs193922635, ClinGen allele CA133173.

ClinVar aggregate classification (germline): Conflicting classifications of pathogenicity. Review status: criteria provided, conflicting classifications (1 of 4 stars). 16 submissions from 16 submitters: Uncertain significance (4); Benign (2); Likely benign (6). 4 of the submissions do not count toward it. Last evaluated 2026-02-01.

Conditions:
Cardiovascular phenotype. Identifiers: MedGen CN230736.
Cardiomyopathy (CMYO). Also called: Cardiomyopathies. Identifiers: Orphanet 167848, MedGen C0878544, MONDO:0004994, HP:0001638. Inheritance: Various modes of inheritance.
Hypertrophic cardiomyopathy 1 (CMH1). Also called: Familial hypertrophic cardiomyopathy 1; MYH7-Related Familial Hypertrophic Cardiomyopathy. Identifiers: MedGen C3495498, MONDO:0008647, OMIM 192600.
Dilated cardiomyopathy 1AA (CMD1AA). Also called: CARDIOMYOPATHY, DILATED, 1AA, WITH OR WITHOUT LEFT VENTRICULAR NONCOMPACTION; CARDIOMYOPATHY, FAMILIAL HYPERTROPHIC, 23, WITH OR WITHOUT LEFT VENTRICULAR NONCOMPACTION; Cardiomyopathy, dilated, 1AA, with or without LVNC. Identifiers: Orphanet 154, MedGen C2677338, MONDO:0012808, OMIM 612158.
Primary familial hypertrophic cardiomyopathy (HCM). Identifiers: Orphanet 99739, MedGen C0949658, MeSH D024741, MONDO:0024573. Inheritance: Various modes of inheritance.

Allele frequency attached by ClinVar (database versions not stated): ESP Exome Variant Server 0.00008; gnomAD 0.00024; TOPMed 0.00026; gnomAD exomes 0.00029 and 0.00042; ExAC 0.00033.
gnomAD v4.1: 467 of 1,614,034 alleles (0.029%); highest among the groups gnomAD compares: Middle Eastern, 0.066%; no homozygotes.

Submissions (16):

Labcorp Genetics (formerly Invitae), Labcorp
Classification: Benign for Primary familial hypertrophic cardiomyopathy; Dilated cardiomyopathy 1AA. Last evaluated: 2026-02-01. Review status: criteria provided, single submitter. Criteria: Invitae Variant Classification Sherloc (09022015). Collection method: clinical testing. Allele origin: germline.

CeGaT Center for Human Genetics Tuebingen
Classification: Likely benign. Last evaluated: 2026-01-01. Review status: criteria provided, single submitter. Criteria: CeGaT Center For Human Genetics Tuebingen Variant Classification Criteria Version 2. Collection method: clinical testing. Allele origin: germline. Affected: yes. Observed: 2 variant alleles.
Comment: ACTN2: BS1

Molecular Diagnostic Laboratory for Inherited Cardiovascular Disease, Montreal Heart Institute
Classification: Likely benign. Last evaluated: 2025-04-08. Review status: criteria provided, single submitter. Criteria: ACMG Guidelines, 2015. Collection method: clinical testing. Allele origin: germline. Affected: no.
Comment: BS1

Blueprint Genetics
Classification: Likely benign. Last evaluated: 2024-10-17. Review status: criteria provided, single submitter. Criteria: ACMG Guidelines, 2015. Collection method: clinical testing. Allele origin: germline.

ARUP Laboratories, Molecular Genetics and Genomics, ARUP Laboratories
Classification: Likely benign. Last evaluated: 2024-02-06. Review status: criteria provided, single submitter. Criteria: ARUP Molecular Germline Variant Investigation Process 2024. Collection method: clinical testing. Allele origin: germline.

GeneDx
Classification: Likely benign. Last evaluated: 2021-02-18. Review status: criteria provided, single submitter. Criteria: GeneDx Variant Classification Process June 2021. Collection method: clinical testing. Allele origin: germline. Affected: yes.
Comment: In silico analysis supports that this missense variant has a deleterious effect on protein structure/function; This variant is associated with the following publications: (PMID: 25333069, 25611685)

Ambry Genetics
Classification: Likely benign for Cardiovascular phenotype. Last evaluated: 2018-09-18. Review status: criteria provided, single submitter. Criteria: Ambry Variant Classification Scheme 2023. Collection method: clinical testing. Allele origin: germline.

CHEO Genetics Diagnostic Laboratory, Children's Hospital of Eastern Ontario
Classification: Benign for Cardiomyopathy. Last evaluated: 2018-07-05. Review status: criteria provided, single submitter. Criteria: ACMG Guidelines, 2015. Collection method: clinical testing. Allele origin: germline.

Illumina Laboratory Services, Illumina
Classification: Uncertain significance for Dilated cardiomyopathy 1AA. Last evaluated: 2017-04-27. Review status: criteria provided, single submitter. Criteria: ICSL Variant Classification Criteria 13 December 2019. Collection method: clinical testing. Allele origin: germline.

Stanford Center for Inherited Cardiovascular Disease, Stanford University
Classification: Uncertain significance. Last evaluated: 2016-01-28. Review status: criteria provided, single submitter. Criteria: ACMG Guidelines, 2015. Collection method: provider interpretation. Allele origin: germline.

Agnes Ginges Centre for Molecular Cardiology, Centenary Institute
Classification: Uncertain significance for Familial hypertrophic cardiomyopathy 1. Last evaluated: 2015-03-20. Review status: criteria provided, single submitter. Criteria: Agnes Ginges Centre for Molecular Cardiology criteria (2015). Collection method: research. Allele origin: germline. Inheritance: Autosomal dominant inheritance. Affected: yes.
Comment: The ACTN2 Thr716Met variant has been previously reported to occur in the Exome Aggregation Consortium dataset at a frequency of 0.0003, and sub-population frequency of European (non-Finnish) individuals at 0.00059 (39/66254 alleles). The variant is absent in the 1000 genomes project. Threonine (Thr) at position 716 is relatively conserved across distantly related species, and in silico tools are supportive of a damaging effect (SIFT "deleterious"; PolyPhen2 "probably damaging"; MutationTaster "disease-causing"; CADD score = 19), however this alone cannot be considered as strong evidence for pathogenicity. Based on the limited evidence, we call this variant one of "uncertain significance".

Laboratory for Molecular Medicine, Mass General Brigham Personalized Medicine
Classification: Uncertain significance. Last evaluated: 2015-02-25. Review status: criteria provided, single submitter. Criteria: LMM Criteria. Collection method: clinical testing. Allele origin: germline. Observed: 5 variant alleles.
Comment: Variant classified as Uncertain Significance - Favor Benign. The p.Thr716Met var iant in ACTN2 has been previously identified by our laboratory in 4 individuals with a range of cardiac features (1 adult with HCM, 1 adult with ARVC, 1 adolesc ent with mitral valve prolapse, and 1 adult with LVH and a mildly dilated LA). I t has also been identified in 0.1% (39/66254) of European chromosomes by the Exo me Aggregation Consortium (ExAC; dbSNP rs1939226 35). Computational prediction tools and conservation analysis do not provide str ong support for or against an impact to the protein. In summary, while the clini cal significance of the p.Thr716Met variant is uncertain, these data suggest tha t it is more likely to be benign.

Women's Health and Genetics/Laboratory Corporation of America, LabCorp
Classification: Uncertain significance for Cardiomyopathy. Last evaluated: 2015-10-02. Review status: no assertion criteria provided. Collection method: clinical testing. Allele origin: germline. Not counted in ClinVar's aggregate classification.

Diagnostic Laboratory, Department of Genetics, University Medical Center Groningen
Classification: Likely benign. Review status: no assertion criteria provided. Collection method: clinical testing. Allele origin: germline. Affected: yes. Study: VKGL Data-share Consensus. Not counted in ClinVar's aggregate classification.

Genome Diagnostics Laboratory, University Medical Center Utrecht
Classification: Likely benign. Review status: no assertion criteria provided. Collection method: clinical testing. Allele origin: germline. Affected: yes. Study: VKGL Data-share Consensus. Not counted in ClinVar's aggregate classification.

Joint Genome Diagnostic Labs from Nijmegen and Maastricht, Radboudumc and MUMC+
Classification: Likely benign. Review status: no assertion criteria provided. Collection method: clinical testing. Allele origin: germline. Affected: yes. Study: VKGL Data-share Consensus. Not counted in ClinVar's aggregate classification.

Literature cited by the submitters: PubMed 25611685 (cited by Ambry Genetics).